The following is an entry in ClinVar:

NM_001376.5(DYNC1H1):c.9571C>G (p.Arg3191Gly)

Gene: DYNC1H1 (dynein cytoplasmic 1 heavy chain 1; plus strand). Cytogenetic location: 14q32.31.
Variant type: single nucleotide variant.
Coding change: c.9571C>G on transcript NM_001376.5 (MANE Select); coding-DNA position 9571, C replaced by G.
Protein change: p.Arg3191Gly; replaces arginine 3191 with glycine.
Molecular consequence: missense variant.
Genome position (GRCh38, 1-based): chr14:102,029,641, C>G. VCF-style: chr14-102029641-C-G. GRCh37 (hg19) VCF-style: chr14-102495978-C-G.
Other names: short protein forms R3191G.
Identifiers: ClinVar variation 4883006 (VCV004883006.2).

ClinVar aggregate classification (germline): Uncertain significance (1 of 4 stars; one submission).

Submission:

Dasa
Classification: Uncertain significance. Last evaluated: 2025-08-07. Review status: criteria provided, single submitter. Criteria: DASA Assertion Criteria. Collection method: clinical testing. Allele origin: germline.
Comment: NM_001376.5(DYNC1H1):c.9571C>G (p.Arg3191Gly) is a missense variant that results in the substitution of arginine with glycine. This variant is absent from population databases. The currently available literature and clinical evidence are not sufficient to establish a definitive association between this variant and the reported condition. Therefore, this variant is classified as a variant of uncertain significance.